The following is an entry in ClinVar:

ClinVar aggregate classification (germline): Uncertain significance (1 of 4 stars; one submission).

Conditions:
Duchenne muscular dystrophy (DMD). Also called: MUSCULAR DYSTROPHY, PSEUDOHYPERTROPHIC PROGRESSIVE, DUCHENNE TYPE; Duchenne Muscular Dystrophy (DMD). Identifiers: Orphanet 98896, MedGen C0013264, MONDO:0010679, OMIM 310200.

Submission:

Labcorp Genetics (formerly Invitae), Labcorp
Classification: Uncertain significance for Duchenne muscular dystrophy. Last evaluated: 2025-10-19. Review status: criteria provided, single submitter. Criteria: Invitae Variant Classification Sherloc (09022015). Collection method: clinical testing. Allele origin: germline.
Comment: This sequence change replaces lysine, which is basic and polar, with arginine, which is basic and polar, at codon 1086 of the DMD protein (p.Lys1086Arg). This variant is not present in population databases (gnomAD no frequency). This variant has not been reported in the literature in individuals affected with DMD-related conditions. ClinVar contains an entry for this variant (Variation ID: 1958585). Invitae Evidence Modeling of protein sequence and biophysical properties (such as structural, functional, and spatial information, amino acid conservation, physicochemical variation, residue mobility, and thermodynamic stability) indicates that this missense variant is not expected to disrupt DMD protein function with a negative predictive value of 95%. In summary, the available evidence is currently insufficient to determine the role of this variant in disease. Therefore, it has been classified as a Variant of Uncertain Significance.

NM_004006.3(DMD):c.3257A>G (p.Lys1086Arg)

Gene: DMD (dystrophin; minus strand). Cytogenetic location: Xp21.1.
Variant type: single nucleotide variant.
Coding change: c.3257A>G on transcript NM_004006.3 (MANE Select); coding-DNA position 3257, A replaced by G.
Protein change: p.Lys1086Arg; replaces lysine 1086 with arginine.
Molecular consequence: missense variant.
Genome position (GRCh38, 1-based): chrX:32,464,605, T>C on the plus strand (A>G on the coding strand, the complement: DMD is on the minus strand). VCF-style: chrX-32464605-T-C. GRCh37 (hg19) VCF-style: chrX-32482722-T-C.
Other names: c.3233A>G, p.Lys1078Arg (NM_000109.4); c.3245A>G, p.Lys1082Arg (NM_004009.3); c.2888A>G, p.Lys963Arg (NM_004010.3); short protein forms K1082R, K963R, K1086R, K1078R.
Identifiers: ClinVar variation 1958585 (VCV001958585.5), dbSNP rs1447405537, ClinGen allele CA412664760.